The following is an entry in ClinVar:

NM_021625.5(TRPV4):c.695G>C (p.Arg232Pro)

Gene: TRPV4 (transient receptor potential cation channel subfamily V member 4; minus strand). Cytogenetic location: 12q24.11.
Variant type: single nucleotide variant.
Coding change: c.695G>C on transcript NM_021625.5 (MANE Select); coding-DNA position 695, G replaced by C.
Protein change: p.Arg232Pro; replaces arginine 232 with proline.
Molecular consequence: missense variant.
Genome position (GRCh38, 1-based): chr12:109,803,008, C>G on the plus strand (G>C on the coding strand, the complement: TRPV4 is on the minus strand). VCF-style: chr12-109803008-C-G. GRCh37 (hg19) VCF-style: chr12-110240813-C-G.
Other names: c.695G>C, p.Arg232Pro (NM_001177428.2, NM_001177433.2, NM_147204.3); c.593G>C, p.Arg198Pro (NM_001177431.2); short protein forms R198P, R232P.
Identifiers: ClinVar variation 1493962 (VCV001493962.8), dbSNP rs769107613, ClinGen allele CA386655999.

ClinVar aggregate classification (germline): Likely pathogenic (1 of 4 stars; one submission).

Conditions:
Charcot-Marie-Tooth disease axonal type 2C (HMSN2C). Also called: CHARCOT-MARIE-TOOTH DISEASE, AXONAL, AUTOSOMAL DOMINANT, TYPE 2C; Charcot-Marie-Tooth Neuropathy Type 2C; Charcot-Marie-Tooth Disease Type 2, TRPV4-Related (CMT2C). Identifiers: Orphanet 99937, MedGen C1853710, MONDO:0011633, OMIM 606071.

gnomAD v4.1: 1 of 1,614,016 alleles (0.000062%); highest among the groups gnomAD compares: Non-Finnish European, 0.000085%; no homozygotes.

Submission:

Labcorp Genetics (formerly Invitae), Labcorp
Classification: Likely pathogenic for Charcot-Marie-Tooth disease axonal type 2C. Last evaluated: 2021-05-13. Review status: criteria provided, single submitter. Criteria: Invitae Variant Classification Sherloc (09022015). Collection method: clinical testing. Allele origin: germline.
Comment: This sequence change replaces arginine with proline at codon 232 of the TRPV4 protein (p.Arg232Pro). The arginine residue is moderately conserved and there is a moderate physicochemical difference between arginine and proline. This variant is not present in population databases (ExAC no frequency). This variant has been observed in individual(s) with clinical features of Charcot Marie Tooth disease (Invitae). Advanced modeling of protein sequence and biophysical properties (such as structural, functional, and spatial information, amino acid conservation, physicochemical variation, residue mobility, and thermodynamic stability) performed at Invitae indicates that this missense variant is expected to disrupt TRPV4 protein function. This variant disrupts the p.Arg232 amino acid residue in TRPV4. Other variant(s) that disrupt this residue have been determined to be pathogenic (PMID: 20460441, 21288981, 24789864, 26048687, 22526352, 22702953). This suggests that this residue is clinically significant, and that variants that disrupt this residue are likely to be disease-causing. In summary, the currently available evidence indicates that the variant is pathogenic, but additional data are needed to prove that conclusively. Therefore, this variant has been classified as Likely Pathogenic.

Literature cited by the submitters: PubMed 20460441; PubMed 21288981; PubMed 24789864; PubMed 26048687; PubMed 22526352; PubMed 22702953.